The following is an entry in ClinVar:

NM_000478.6(ALPL):c.1232C>T (p.Thr411Ile)

Gene: ALPL (alkaline phosphatase, biomineralization associated; plus strand). Cytogenetic location: 1p36.12.
Variant type: single nucleotide variant.
Coding change: c.1232C>T on transcript NM_000478.6 (MANE Select); coding-DNA position 1232, C replaced by T.
Protein change: p.Thr411Ile; replaces threonine 411 with isoleucine.
Molecular consequence: missense variant.
Genome position (GRCh38, 1-based): chr1:21,576,564, C>T. VCF-style: chr1-21576564-C-T. GRCh37 (hg19) VCF-style: chr1-21903057-C-T.
Other names: c.1067C>T, p.Thr356Ile (NM_001127501.4); c.1001C>T, p.Thr334Ile (NM_001177520.3); c.1232C>T, p.Thr411Ile (NM_001369803.2, NM_001369804.2, NM_001369805.2); short protein forms T334I, T356I, T411I.
Identifiers: ClinVar variation 1702092 (VCV001702092.5), dbSNP rs2148192417, ClinGen allele CA338881747.

ClinVar aggregate classification (germline): Conflicting classifications of pathogenicity. Review status: criteria provided, conflicting classifications (1 of 4 stars). 2 submissions from 2 submitters: Likely pathogenic (1); Uncertain significance (1). Last evaluated 2024-04-15.

Conditions:
Osteogenesis imperfecta (OI). Identifiers: Orphanet 666, MedGen C0029434, MeSH D010013, MONDO:0019019.

Submissions (2):

Labcorp Genetics (formerly Invitae), Labcorp
Classification: Likely pathogenic. Last evaluated: 2024-04-15. Review status: criteria provided, single submitter. Criteria: Invitae Variant Classification Sherloc (09022015). Collection method: clinical testing. Allele origin: germline.
Comment: This sequence change replaces threonine, which is neutral and polar, with isoleucine, which is neutral and non-polar, at codon 411 of the ALPL protein (p.Thr411Ile). This variant is not present in population databases (gnomAD no frequency). This variant has not been reported in the literature in individuals affected with ALPL-related conditions. ClinVar contains an entry for this variant (Variation ID: 1702092). Advanced modeling of protein sequence and biophysical properties (such as structural, functional, and spatial information, amino acid conservation, physicochemical variation, residue mobility, and thermodynamic stability) performed at Invitae indicates that this missense variant is expected to disrupt ALPL protein function with a positive predictive value of 95%. This variant disrupts the p.Thr411 amino acid residue in ALPL. Other variant(s) that disrupt this residue have been determined to be pathogenic (PMID: 15694177, 22397652; Invitae). This suggests that this residue is clinically significant, and that variants that disrupt this residue are likely to be disease-causing. In summary, the currently available evidence indicates that the variant is pathogenic, but additional data are needed to prove that conclusively. Therefore, this variant has been classified as Likely Pathogenic.

Genome Diagnostics Laboratory, The Hospital for Sick Children
Classification: Uncertain significance for Osteogenesis imperfecta. Last evaluated: 2022-05-30. Review status: criteria provided, single submitter. Criteria: ACMG Guidelines, 2015. Collection method: clinical testing. Allele origin: germline.

Literature cited by the submitters: PubMed 15694177 (cited by Labcorp Genetics (formerly Invitae), Labcorp); PubMed 22397652 (cited by Labcorp Genetics (formerly Invitae), Labcorp).